The following is an entry in ClinVar:

NM_020433.5(JPH2):c.515A>G (p.Asn172Ser)

Gene: JPH2 (junctophilin 2; minus strand). Cytogenetic location: 20q13.12.
Variant type: single nucleotide variant.
Coding change: c.515A>G on transcript NM_020433.5 (MANE Select); coding-DNA position 515, A replaced by G.
Protein change: p.Asn172Ser; replaces asparagine 172 with serine.
Molecular consequence: missense variant.
Genome position (GRCh38, 1-based): chr20:44,160,272, T>C on the plus strand (A>G on the coding strand, the complement: JPH2 is on the minus strand). VCF-style: chr20-44160272-T-C. GRCh37 (hg19) VCF-style: chr20-42788912-T-C.
Other names: short protein forms N172S.
Identifiers: ClinVar variation 1502355 (VCV001502355.9), dbSNP rs1170915460, ClinGen allele CA409094229.
Genomic context (GRCh38, chr20:44,160,272, plus strand): 5'-GAGGGCAGCGCGGGGCCGTCGGAGGCCGGCGAGGCGGGAGAGTCCGGGGCCACCGTGCCG[T>C]TGCTGTGCTCGCTGCGCAGGGACGACAGCGACGTGCGCAGCGGCGAGCGCACCACCACGG-3'
Protein context (NP_065166.2, residues 162-182): SLSSLRSEHS[Asn172Ser]GTVAPDSPAS

ClinVar aggregate classification (germline): Uncertain significance. Review status: criteria provided, multiple submitters, no conflicts (2 of 4 stars). 2 submissions from 2 submitters: Uncertain significance (2). Last evaluated 2022-03-08.

Conditions:
Hypertrophic cardiomyopathy. Also called: HYPERTROPHIC MYOCARDIOPATHY. Identifiers: Orphanet 217569, MedGen C0007194, MeSH D002312, MONDO:0005045, HP:0001639.
Hypertrophic cardiomyopathy 17. Identifiers: MedGen C3151264, MONDO:0013474, OMIM 613873.
Cardiomyopathy, dilated, 2E. Identifiers: MedGen C5561970, MONDO:0030366, OMIM 619492.

Allele frequency attached by ClinVar (database versions not stated): gnomAD 0.00001; TOPMed 0.00001.

Submissions (2):

Labcorp Genetics (formerly Invitae), Labcorp
Classification: Uncertain significance for Hypertrophic cardiomyopathy. Last evaluated: 2022-03-08. Review status: criteria provided, single submitter. Criteria: Invitae Variant Classification Sherloc (09022015). Collection method: clinical testing. Allele origin: germline.
Comment: This variant has not been reported in the literature in individuals affected with JPH2-related conditions. This variant is not present in population databases (gnomAD no frequency). This sequence change replaces asparagine, which is neutral and polar, with serine, which is neutral and polar, at codon 172 of the JPH2 protein (p.Asn172Ser). In summary, the available evidence is currently insufficient to determine the role of this variant in disease. Therefore, it has been classified as a Variant of Uncertain Significance. Algorithms developed to predict the effect of missense changes on protein structure and function are either unavailable or do not agree on the potential impact of this missense change (SIFT: "Tolerated"; PolyPhen-2: "Probably Damaging"; Align-GVGD: "Class C0").

Fulgent Genetics
Classification: Uncertain significance for Hypertrophic cardiomyopathy 17; Cardiomyopathy, dilated, 2E. Last evaluated: 2021-09-21. Review status: criteria provided, single submitter. Criteria: ACMG Guidelines, 2015. Collection method: clinical testing. Allele origin: unknown.